The following is an entry in ClinVar:

ClinVar aggregate classification (germline): Uncertain significance (1 of 4 stars; one submission).

Conditions:
TNF receptor-associated periodic fever syndrome (TRAPS) (FPF). Also called: FAMILIAL HIBERNIAN FEVER; TNF RECEPTOR-ASSOCIATED PERIODIC SYNDROME; TUMOR NECROSIS FACTOR RECEPTOR-ASSOCIATED PERIODIC SYNDROME; Autosomal Dominant Familial Periodic Fever; TNF Receptor-Associated Periodic Fever Syndrome; TNF receptor 1-associated periodic fever syndrome. Identifiers: Orphanet 32960, MedGen C1275126, MONDO:0007727, OMIM 142680.

Submission:

Labcorp Genetics (formerly Invitae), Labcorp
Classification: Uncertain significance for TNF receptor-associated periodic fever syndrome (TRAPS). Last evaluated: 2024-02-10. Review status: criteria provided, single submitter. Criteria: Invitae Variant Classification Sherloc (09022015). Collection method: clinical testing. Allele origin: germline.
Comment: This sequence change replaces alanine, which is neutral and non-polar, with aspartic acid, which is acidic and polar, at codon 268 of the TNFRSF1A protein (p.Ala268Asp). This variant is not present in population databases (gnomAD no frequency). This variant has not been reported in the literature in individuals affected with TNFRSF1A-related conditions. Advanced modeling of protein sequence and biophysical properties (such as structural, functional, and spatial information, amino acid conservation, physicochemical variation, residue mobility, and thermodynamic stability) has been performed at Invitae for this missense variant, however the output from this modeling did not meet the statistical confidence thresholds required to predict the impact of this variant on TNFRSF1A protein function. In summary, the available evidence is currently insufficient to determine the role of this variant in disease. Therefore, it has been classified as a Variant of Uncertain Significance.

NM_001065.4(TNFRSF1A):c.803C>A (p.Ala268Asp)

Gene: TNFRSF1A (TNF receptor superfamily member 1A; minus strand). Cytogenetic location: 12p13.31.
Variant type: single nucleotide variant.
Coding change: c.803C>A on transcript NM_001065.4 (MANE Select); coding-DNA position 803, C replaced by A.
Protein change: p.Ala268Asp; replaces alanine 268 with aspartic acid.
Molecular consequence: missense variant. On other transcripts: non-coding transcript variant (1).
Genome position (GRCh38, 1-based): chr12:6,330,032, G>T on the plus strand (C>A on the coding strand, the complement: TNFRSF1A is on the minus strand). VCF-style: chr12-6330032-G-T. GRCh37 (hg19) VCF-style: chr12-6439198-G-T.
Other names: c.479C>A, p.Ala160Asp (NM_001346091.2); c.344C>A, p.Ala115Asp (NM_001346092.2); short protein forms A160D, A268D, A115D.
Identifiers: ClinVar variation 3635059 (VCV003635059.2).